The following is an entry in ClinVar:

NM_001384732.1(CPLANE1):c.9298C>G (p.Pro3100Ala)

Gene: CPLANE1 (ciliogenesis and planar polarity effector complex subunit 1; minus strand). Cytogenetic location: 5p13.2.
Variant type: single nucleotide variant.
Coding change: c.9298C>G on transcript NM_001384732.1 (MANE Select); coding-DNA position 9298, C replaced by G.
Protein change: p.Pro3100Ala; replaces proline 3100 with alanine.
Molecular consequence: missense variant.
Genome position (GRCh38, 1-based): chr5:37,120,228, G>C on the plus strand (C>G on the coding strand, the complement: CPLANE1 is on the minus strand). VCF-style: chr5-37120228-G-C. GRCh37 (hg19) VCF-style: chr5-37120330-G-C.
Other names: c.9136C>G, p.Pro3046Ala (NM_023073.4); short protein forms P3100A, P3046A.
Identifiers: ClinVar variation 2156480 (VCV002156480.4), dbSNP rs773845456, ClinGen allele CA3237514.

ClinVar aggregate classification (germline): Uncertain significance (1 of 4 stars; one submission).

Allele frequency attached by ClinVar (database versions not stated): ExAC 0.00001.
gnomAD v4.1: 3 of 1,602,174 alleles (0.00019%); highest among the groups gnomAD compares: South Asian, 0.0034%; no homozygotes.

Submission:

Labcorp Genetics (formerly Invitae), Labcorp
Classification: Uncertain significance. Last evaluated: 2022-03-05. Review status: criteria provided, single submitter. Criteria: Invitae Variant Classification Sherloc (09022015). Collection method: clinical testing. Allele origin: germline.
Comment: This sequence change replaces proline, which is neutral and non-polar, with alanine, which is neutral and non-polar, at codon 3046 of the CPLANE1 protein (p.Pro3046Ala). This variant is present in population databases (rs773845456, gnomAD 0.004%). This variant has not been reported in the literature in individuals affected with CPLANE1-related conditions. Advanced modeling of protein sequence and biophysical properties (such as structural, functional, and spatial information, amino acid conservation, physicochemical variation, residue mobility, and thermodynamic stability) performed at Invitae indicates that this missense variant is not expected to disrupt CPLANE1 protein function. In summary, the available evidence is currently insufficient to determine the role of this variant in disease. Therefore, it has been classified as a Variant of Uncertain Significance.